The following is an entry in ClinVar:

NM_007126.5(VCP):c.2014T>G (p.Leu672Val)

Gene: VCP (valosin containing protein; minus strand). Cytogenetic location: 9p13.3.
Variant type: single nucleotide variant.
Coding change: c.2014T>G on transcript NM_007126.5 (MANE Select); coding-DNA position 2014, T replaced by G.
Protein change: p.Leu672Val; replaces leucine 672 with valine.
Molecular consequence: missense variant.
Genome position (GRCh38, 1-based): chr9:35,059,210, A>C on the plus strand (T>G on the coding strand, the complement: VCP is on the minus strand). VCF-style: chr9-35059210-A-C. GRCh37 (hg19) VCF-style: chr9-35059207-A-C.
Other names: c.1879T>G, p.Leu627Val (NM_001354927.2, NM_001354928.2); short protein forms L627V, L672V.
Identifiers: ClinVar variation 647081 (VCV000647081.1), dbSNP rs757829124, ClinGen allele CA5039143.

ClinVar aggregate classification (germline): Uncertain significance (1 of 4 stars; one submission).

Conditions:
Inclusion body myopathy with Paget disease of bone and frontotemporal dementia type 1. Also called: MULTISYSTEM PROTEINOPATHY 1; Inclusion body myopathy with early-onset Paget disease with or without frontotemporal dementia 1; Inclusion body myopathy with early-onset Paget disease and frontotemporal dementia 1. Identifiers: MedGen C4551951, MONDO:0008178, OMIM 167320.
Frontotemporal dementia and/or amyotrophic lateral sclerosis 6 (FTDALS6). Also called: VCP-Related Amyotrophic Lateral Sclerosis; VCP-Related Amyotrophic Lateral Sclerosis/Frontotemporal Dementia. Identifiers: Orphanet 275872, Orphanet 803, MedGen C5436279, MONDO:0013501, OMIM 613954.

Allele frequency attached by ClinVar (database versions not stated): gnomAD exomes below 0.00001; ExAC 0.00001.
gnomAD v4.1: 2 of 1,614,178 alleles (0.00012%); highest among the groups gnomAD compares: Non-Finnish European, 0.00017%; no homozygotes.

Submission:

Labcorp Genetics (formerly Invitae), Labcorp
Classification: Uncertain significance for Inclusion body myopathy with early-onset Paget disease and frontotemporal dementia; Amyotrophic lateral sclerosis 14, with or without frontotemporal dementia. Last evaluated: 2018-08-09. Review status: criteria provided, single submitter. Criteria: Invitae Variant Classification Sherloc (09022015). Collection method: clinical testing. Allele origin: germline.
Comment: This sequence change replaces leucine with valine at codon 672 of the VCP protein (p.Leu672Val). The leucine residue is highly conserved and there is a small physicochemical difference between leucine and valine. This variant is present in population databases (rs757829124, ExAC 0.001%). This variant has not been reported in the literature in individuals with VCP-related disease. Algorithms developed to predict the effect of missense changes on protein structure and function are either unavailable or do not agree on the potential impact of this missense change (SIFT: "Deleterious"; PolyPhen-2: "Benign"; Align-GVGD: "Class C25"). In summary, the available evidence is currently insufficient to determine the role of this variant in disease. Therefore, it has been classified as a Variant of Uncertain Significance.